The following is an entry in ClinVar:

NM_001848.3(COL6A1):c.43T>C (p.Cys15Arg)

Gene: COL6A1 (collagen type VI alpha 1 chain; plus strand). Cytogenetic location: 21q22.3.
Variant type: single nucleotide variant.
Coding change: c.43T>C on transcript NM_001848.3 (MANE Select); coding-DNA position 43, T replaced by C.
Protein change: p.Cys15Arg; replaces cysteine 15 with arginine.
Molecular consequence: missense variant.
Genome position (GRCh38, 1-based): chr21:45,981,893, T>C. VCF-style: chr21-45981893-T-C. GRCh37 (hg19) VCF-style: chr21-47401807-T-C.
Other names: short protein forms C15R.
Identifiers: ClinVar variation 1800477 (VCV001800477.1), dbSNP rs2526305434, ClinGen allele CA410513885.

ClinVar aggregate classification (germline): Uncertain significance (1 of 4 stars; one submission).

Submission:

GeneDx
Classification: Uncertain significance. Last evaluated: 2022-05-17. Review status: criteria provided, single submitter. Criteria: GeneDx Variant Classification Process June 2021. Collection method: clinical testing. Allele origin: germline. Affected: yes.
Comment: Not observed at significant frequency in large population cohorts (gnomAD); In silico analysis supports that this missense variant has a deleterious effect on protein structure/function; Has not been previously published as pathogenic or benign to our knowledge